The following is an entry in ClinVar:

ClinVar aggregate classification (germline): Uncertain significance (1 of 4 stars; one submission).

Conditions:
Myofibrillar myopathy 4. Also called: Zaspopathy (type). Identifiers: Orphanet 98912, MedGen C4721886, MONDO:0012277, OMIM 609452.

Submission:

Labcorp Genetics (formerly Invitae), Labcorp
Classification: Uncertain significance for Myofibrillar myopathy 4. Last evaluated: 2022-06-01. Review status: criteria provided, single submitter. Criteria: Invitae Variant Classification Sherloc (09022015). Collection method: clinical testing. Allele origin: germline.
Comment: Experimental studies and prediction algorithms are not available or were not evaluated, and the functional significance of this variant is currently unknown. In summary, the available evidence is currently insufficient to determine the role of this variant in disease. Therefore, it has been classified as a Variant of Uncertain Significance. This variant has not been reported in the literature in individuals affected with LDB3-related conditions. This variant is not present in population databases (gnomAD no frequency). This sequence change replaces asparagine, which is neutral and polar, with serine, which is neutral and polar, at codon 703 of the LDB3 protein (p.Asn703Ser). The LDB3 gene has multiple clinically relevant transcripts. This variant occurs in alternate transcript NM_007078.3, and corresponds to NM_001171611.1:c.*33526A>G in the primary transcript.

NM_007078.3(LDB3):c.2108A>G (p.Asn703Ser)

Gene: LDB3 (LIM domain binding 3; plus strand). Cytogenetic location: 10q23.2.
Variant type: single nucleotide variant.
Coding change: c.2108A>G on transcript NM_007078.3 (MANE Select); coding-DNA position 2108, A replaced by G.
Protein change: p.Asn703Ser; replaces asparagine 703 with serine.
Molecular consequence: missense variant.
Genome position (GRCh38, 1-based): chr10:86,732,900, A>G. VCF-style: chr10-86732900-A-G. GRCh37 (hg19) VCF-style: chr10-88492657-A-G.
Other names: c.1778A>G, p.Asn593Ser (NM_001080114.2); c.2123A>G, p.Asn708Ser (NM_001171610.2); c.1919A>G, p.Asn640Ser (NM_001368064.1, NM_001368065.1); c.1967A>G, p.Asn656Ser (NM_001368066.1); short protein forms N593S, N656S, N703S, N640S, N708S.
Identifiers: ClinVar variation 1993727 (VCV001993727.4), dbSNP rs2492881820, ClinGen allele CA377460142.
Genomic context (GRCh38, chr10:86,732,900, plus strand): 5'-ATGCCCTGTGCCACGTGGGTCTCACGCAGGTCTGTTCTCTGCTCCAGGTCTGCCATGTGA[A>G]TCTGGAGGGGCAGCCGTTCTACTCCAAGAAGGACAGACCCCTGTGCAAGAAGCACGCACA-3'
Protein context (NP_009009.1, residues 693-713): TCFICAVCHV[Asn703Ser]LEGQPFYSKK